The following is an entry in ClinVar:

ClinVar aggregate classification (germline): Uncertain significance. Review status: criteria provided, multiple submitters, no conflicts (2 of 4 stars). 2 submissions from 2 submitters: Uncertain significance (2). Last evaluated 2025-10-15.

Allele frequency attached by ClinVar (database versions not stated): gnomAD 0.00009; TOPMed 0.00014; ESP Exome Variant Server 0.00023.
gnomAD v4.1: 348 of 1,593,010 alleles (0.022%); highest among the groups gnomAD compares: Non-Finnish European, 0.029%; no homozygotes.

Submissions (2):

Ambry Genetics
Classification: Uncertain significance. Last evaluated: 2025-10-15. Review status: criteria provided, single submitter. Criteria: Ambry Variant Classification Scheme 2023. Collection method: clinical testing. Allele origin: germline.

Labcorp Genetics (formerly Invitae), Labcorp
Classification: Uncertain significance. Last evaluated: 2025-09-28. Review status: criteria provided, single submitter. Criteria: Invitae Variant Classification Sherloc (09022015). Collection method: clinical testing. Allele origin: germline.
Comment: This sequence change replaces asparagine, which is neutral and polar, with lysine, which is basic and polar, at codon 233 of the SLCO5A1 protein (p.Asn233Lys). This variant is present in population databases (rs147139515, gnomAD 0.02%). This variant has not been reported in the literature in individuals affected with SLCO5A1-related conditions. ClinVar contains an entry for this variant (Variation ID: 2053032). An algorithm developed to predict the effect of missense changes on protein structure and function (PolyPhen-2) suggests that this variant is likely to be tolerated. In summary, the available evidence is currently insufficient to determine the role of this variant in disease. Therefore, it has been classified as a Variant of Uncertain Significance.

NM_030958.3(SLCO5A1):c.699C>A (p.Asn233Lys)

Gene: SLCO5A1 (solute carrier organic anion transporter family member 5A1; minus strand). Cytogenetic location: 8q13.3.
Variant type: single nucleotide variant.
Coding change: c.699C>A on transcript NM_030958.3 (MANE Select); coding-DNA position 699, C replaced by A.
Protein change: p.Asn233Lys; replaces asparagine 233 with lysine.
Molecular consequence: missense variant.
Genome position (GRCh38, 1-based): chr8:69,831,975, G>T on the plus strand (C>A on the coding strand, the complement: SLCO5A1 is on the minus strand). VCF-style: chr8-69831975-G-T. GRCh37 (hg19) VCF-style: chr8-70744210-G-T.
Other names: c.699C>A, p.Asn233Lys (NM_001146008.2, NM_001146009.1); c.699C>A (NM_030958.2); short protein forms N233K.
Identifiers: ClinVar variation 2053032 (VCV002053032.7), dbSNP rs147139515, ClinGen allele CA4776757.